The following is an entry in ClinVar:

NM_024529.5(CDC73):c.*3063G>A

Gene: CDC73 (cell division cycle 73; plus strand). Cytogenetic location: 1q31.2.
Variant type: single nucleotide variant.
Coding change: c.*3063G>A on transcript NM_024529.5 (MANE Select); 3063 bases downstream of the stop codon, G replaced by A.
Molecular consequence: 3 prime UTR variant.
Genome position (GRCh38, 1-based): chr1:193,253,775, G>A. VCF-style: chr1-193253775-G-A. GRCh37 (hg19) VCF-style: chr1-193222905-G-A.
Identifiers: ClinVar variation 873869 (VCV000873869.4), dbSNP rs182545034, ClinGen allele CA35103797.

ClinVar aggregate classification (germline): Benign/Likely benign. Review status: criteria provided, single submitter (1 of 4 stars). 3 submissions from 1 submitter: Benign (2); Likely benign (1). Last evaluated 2018-01-12.

Conditions:
Hyperparathyroidism 1 (HRPT1). Also called: HYPERPARATHYROIDISM, FAMILIAL ISOLATED PRIMARY. Identifiers: Orphanet 99879, MedGen C1840402, MONDO:0007767, OMIM 145000.
Hyperparathyroidism 2 with jaw tumors. Also called: Hyperparathyroidism 2; Hyperparathyroidism-Jaw Tumor Syndrome; HYPERPARATHYROIDISM, FAMILIAL PRIMARY, WITH MULTIPLE OSSIFYING JAW FIBROMAS; HYPERPARATHYROIDISM-JAW TUMOR SYNDROME, HEREDITARY. Identifiers: Orphanet 99880, MedGen C1704981, MONDO:0007768, OMIM 145001.
Parathyroid carcinoma (PRTC). Also called: Parathyroid gland carcinoma; CDC73-Related Parathyroid Carcinoma. Identifiers: Orphanet 143, MedGen C0687150, MONDO:0012004, OMIM 608266, HP:0006780.

Allele frequency attached by ClinVar (database versions not stated): gnomAD 0.00001 and 0.00005; TOPMed 0.00003; 1000 Genomes Project 0.00040; 1000 Genomes Project 30x 0.00078; gnomAD exomes 0.00150.
gnomAD v4.1: 118 of 230,260 alleles (0.051%); highest among the groups gnomAD compares: East Asian, 0.72%; 2 homozygotes.

Submissions (3):

Illumina Laboratory Services, Illumina
Classification: Likely benign for Hyperparathyroidism 1. Last evaluated: 2018-01-12. Review status: criteria provided, single submitter. Criteria: ICSL Variant Classification Criteria 13 December 2019. Collection method: clinical testing. Allele origin: germline.
Comment: This variant was observed in the ICSL laboratory as part of a predisposition screen in an ostensibly healthy population. It had not been previously curated by ICSL or reported in the Human Gene Mutation Database (HGMD: prior to June 1st, 2018), and was therefore a candidate for classification through an automated scoring system. Utilizing variant allele frequency, disease prevalence and penetrance estimates, and inheritance mode, an automated score was calculated to assess if this variant is too frequent to cause the disease. Based on the score and internal cut-off values, a variant classified as likely benign is not then subjected to further curation. The score for this variant resulted in a classification of likely benign for this disease.

Illumina Laboratory Services, Illumina
Classification: Benign for Parathyroid carcinoma. Last evaluated: 2018-01-12. Review status: criteria provided, single submitter. Criteria: ICSL Variant Classification Criteria 13 December 2019. Collection method: clinical testing. Allele origin: germline.
Comment: This variant was observed in the ICSL laboratory as part of a predisposition screen in an ostensibly healthy population. It had not been previously curated by ICSL or reported in the Human Gene Mutation Database (HGMD: prior to June 1st, 2018), and was therefore a candidate for classification through an automated scoring system. Utilizing variant allele frequency, disease prevalence and penetrance estimates, and inheritance mode, an automated score was calculated to assess if this variant is too frequent to cause the disease. Based on the score and internal cut-off values, a variant classified as benign is not then subjected to further curation. The score for this variant resulted in a classification of benign for this disease.

Illumina Laboratory Services, Illumina
Classification: Benign for Hyperparathyroidism 2 with jaw tumors. Last evaluated: 2018-01-12. Review status: criteria provided, single submitter. Criteria: ICSL Variant Classification Criteria 13 December 2019. Collection method: clinical testing. Allele origin: germline.
Comment: the same text as in the submission from Illumina Laboratory Services, Illumina above.